The following is an entry in ClinVar:

ClinVar aggregate classification (germline): Benign. Review status: criteria provided, multiple submitters, no conflicts (2 of 4 stars). 6 submissions from 6 submitters: Benign (3). 3 of the submissions do not count toward it. Last evaluated 2026-02-03.

Conditions:
Inborn genetic diseases. Identifiers: MedGen C0950123, MeSH D030342.
Mucopolysaccharidosis, MPS-II (MPS2). Also called: IDS deficiency; Sulfoiduronate sulfatase deficiency; SIDS deficiency; Mucopolysaccharidosis with skin involvement; Mucopolysaccharidosis type 2; Attenuated MPS (subtype; formerly known as mild MPS II). Identifiers: Orphanet 580, Orphanet 79388, MedGen C0026705, MONDO:0010674, OMIM 309900.
Mucopolysaccharidosis, MPS-III-A (MPS3A). Also called: HEPARAN SULFATE SULFATASE DEFICIENCY; MUCOPOLYSACCHARIDOSIS, TYPE IIIA, ATTENUATED; Mucopolysaccharidosis, type IIIA; SANFILIPPO SYNDROME A; SULFAMIDASE DEFICIENCY; Mucopolysaccharidosis type IIIA (Sanfilippo A). Identifiers: Orphanet 581, Orphanet 79269, MedGen C0086647, MONDO:0009655, OMIM 252900.

Allele frequency attached by ClinVar (database versions not stated): gnomAD 0.00769 and 0.00832; 1000 Genomes Project 30x 0.00999; 1000 Genomes Project 0.01060; ESP Exome Variant Server 0.01164; gnomAD exomes 0.00067 and 0.00225; ExAC 0.00295; TOPMed 0.00910.
gnomAD v4.1: 1,590 of 1,179,632 alleles (0.13%); highest among the groups gnomAD compares: African/African-American, 2.5%; 10 homozygotes.

Submissions (6):

Labcorp Genetics (formerly Invitae), Labcorp
Classification: Benign for Mucopolysaccharidosis, MPS-II. Last evaluated: 2026-02-03. Review status: criteria provided, single submitter. Criteria: Invitae Variant Classification Sherloc (09022015). Collection method: clinical testing. Allele origin: germline.

Ambry Genetics
Classification: Benign for Inborn genetic diseases. Last evaluated: 2016-04-15. Review status: criteria provided, single submitter. Criteria: Ambry Variant Classification Scheme 2023. Collection method: clinical testing. Allele origin: germline.

Breakthrough Genomics
Classification: Benign. Review status: criteria provided, single submitter. Criteria: ACMG Guidelines, 2015. Collection method: not provided. Allele origin: germline. Inheritance: X-linked inheritance. Affected: yes.

Natera, Inc.
Classification: Benign for Mucopolysaccharidosis type IIIA. Last evaluated: 2020-07-21. Review status: no assertion criteria provided. Collection method: clinical testing. Allele origin: germline. Not counted in ClinVar's aggregate classification.

Mayo Clinic Laboratories, Mayo Clinic
Classification: Benign. Last evaluated: 2017-09-27. Review status: no assertion criteria provided. Collection method: clinical testing. Allele origin: unknown. Not counted in ClinVar's aggregate classification.

Laboratory of Diagnosis and Therapy of Lysosomal Disorders, University of Padova
Classification: Likely pathogenic for Mucopolysaccharidosis, MPS-II. Last evaluated: 2024-06-07. Review status: flagged submission. Criteria: ACMG Guidelines, 2015. Collection method: literature only. Allele origin: germline. Affected: yes. Observed: 5 variant alleles. Not counted in ClinVar's aggregate classification.
Comment: Absent from controls (or at low frequency) in gnomAD database (PM2_Moderate), Missense variant in a gene with a low rate of benign missense variation (PP2_Supporting), Patient’s phenotype or family history highly specific for the disease (PP4_Strong)

Classification method: ACMG Guidelines [PMID:25741868] with modifications
ClinVar note: Reason: Outlier claim with insufficient supporting evidence

Literature cited by the submitters: PubMed 33960103 (cited by Laboratory of Diagnosis and Therapy of Lysosomal Disorders, University of Padova).

NM_000202.8(IDS):c.467C>A (p.Pro156Gln)

Genes: IDS (iduronate 2-sulfatase; minus strand), LOC106050102 (IDS recombination region; plus strand). Cytogenetic location: Xq28.
Variant type: single nucleotide variant.
Coding change: c.467C>A on transcript NM_000202.8 (MANE Select); coding-DNA position 467, C replaced by A.
Protein change: p.Pro156Gln; replaces proline 156 with glutamine.
Molecular consequence: missense variant. On other transcripts: non-coding transcript variant (1).
Genome position (GRCh38, 1-based): chrX:149,500,989, G>T on the plus strand (C>A on the coding strand, the complement: IDS is on the minus strand). VCF-style: chrX-149500989-G-T. GRCh37 (hg19) VCF-style: chrX-148582520-G-T.
Other names: c.197C>A, p.Pro66Gln (NM_001166550.4); c.467C>A, p.Pro156Gln (NM_006123.5); short protein forms P156Q, P66Q.
Identifiers: ClinVar variation 457346 (VCV000457346.57), dbSNP rs145231211, ClinGen allele CA10537654.
Genomic context (GRCh38, chrX:149,500,989, plus strand): 5'-TGTCCCTTTCACAGCCTTACCTTAGTGTTTTCATACTTCTCAGAGGAAGGATGATAAGGT[G>T]GAAAAGACCAGCTATACGGAGAATCATCGGTATGGTTAGAAGATATCCCTTGGAAAAAAA-3'
Protein context (NP_000193.1, residues 146-166): TDDSPYSWSF[Pro156Gln]PYHPSSEKYE